The following is an entry in ClinVar:

ClinVar aggregate classification (germline): Conflicting classifications of pathogenicity. Review status: criteria provided, conflicting classifications (1 of 4 stars). 3 submissions from 3 submitters: Likely pathogenic (2); Uncertain significance (1). Last evaluated 2025-08-06.

Conditions:
TRPV4-related disorder. Also called: TRPV4-related condition; TRPV4-related disorders.
Charcot-Marie-Tooth disease axonal type 2C (HMSN2C). Also called: Charcot-Marie-Tooth Disease Type 2, TRPV4-Related (CMT2C); CHARCOT-MARIE-TOOTH DISEASE, AXONAL, AUTOSOMAL DOMINANT, TYPE 2C; Charcot-Marie-Tooth Neuropathy Type 2C. Identifiers: Orphanet 99937, MedGen C1853710, MONDO:0011633, OMIM 606071.

Submissions (3):

Labcorp Genetics (formerly Invitae), Labcorp
Classification: Uncertain significance for Charcot-Marie-Tooth disease axonal type 2C. Last evaluated: 2025-08-06. Review status: criteria provided, single submitter. Criteria: Invitae Variant Classification Sherloc (09022015). Collection method: clinical testing. Allele origin: germline.
Comment: This sequence change replaces lysine, which is basic and polar, with glutamic acid, which is acidic and polar, at codon 801 of the TRPV4 protein (p.Lys801Glu). This variant is not present in population databases (gnomAD no frequency). This missense change has been observed in individual(s) with TRPV4-related conditions (PMID: 30693671). ClinVar contains an entry for this variant (Variation ID: 422072). Invitae Evidence Modeling of protein sequence and biophysical properties (such as structural, functional, and spatial information, amino acid conservation, physicochemical variation, residue mobility, and thermodynamic stability) indicates that this missense variant is not expected to disrupt TRPV4 protein function with a negative predictive value of 95%. In summary, the available evidence is currently insufficient to determine the role of this variant in disease. Therefore, it has been classified as a Variant of Uncertain Significance.

GeneDx
Classification: Likely pathogenic. Last evaluated: 2022-12-05. Review status: criteria provided, single submitter. Criteria: GeneDx Variant Classification Process June 2021. Collection method: clinical testing. Allele origin: germline. Affected: yes.
Comment: Not observed at significant frequency in large population cohorts (gnomAD); In silico analysis supports that this missense variant does not alter protein structure/function; Identified in a patient with features of TRPV4-related skeletal dysplasia in published literature (Hines et al., 2019); This variant is associated with the following publications: (PMID: 35250876, 30693671, 33144682)

Blueprint Genetics
Classification: Likely pathogenic for TRPV4-related disorders. Last evaluated: 2018-07-10. Review status: criteria provided, single submitter. Criteria: ACMG Guidelines, 2015. Collection method: clinical testing. Allele origin: germline. Affected: yes. Observed: 1 variant allele.

Literature cited by the submitters: PubMed 30693671 (cited by Labcorp Genetics (formerly Invitae), Labcorp).

NM_021625.5(TRPV4):c.2401A>G (p.Lys801Glu)

Gene: TRPV4 (transient receptor potential cation channel subfamily V member 4; minus strand). Cytogenetic location: 12q24.11.
Variant type: single nucleotide variant.
Coding change: c.2401A>G on transcript NM_021625.5 (MANE Select); coding-DNA position 2401, A replaced by G.
Protein change: p.Lys801Glu; replaces lysine 801 with glutamic acid.
Molecular consequence: missense variant.
Genome position (GRCh38, 1-based): chr12:109,784,373, T>C on the plus strand (A>G on the coding strand, the complement: TRPV4 is on the minus strand). VCF-style: chr12-109784373-T-C. GRCh37 (hg19) VCF-style: chr12-110222178-T-C.
Other names: c.2260A>G, p.Lys754Glu (NM_001177428.2); c.2299A>G, p.Lys767Glu (NM_001177431.2); c.2080A>G, p.Lys694Glu (NM_001177433.2); c.2221A>G, p.Lys741Glu (NM_147204.3); short protein forms K801E, K694E, K741E, K754E, K767E.
Identifiers: ClinVar variation 422072 (VCV000422072.7), dbSNP rs1064795536, ClinGen allele CA16619425.